The following is an entry in ClinVar:

ClinVar aggregate classification (germline): Uncertain significance (1 of 4 stars; one submission).

Submission:

Labcorp Genetics (formerly Invitae), Labcorp
Classification: Uncertain significance. Last evaluated: 2023-04-14. Review status: criteria provided, single submitter. Criteria: Invitae Variant Classification Sherloc (09022015). Collection method: clinical testing. Allele origin: germline.
Comment: Advanced modeling of protein sequence and biophysical properties (such as structural, functional, and spatial information, amino acid conservation, physicochemical variation, residue mobility, and thermodynamic stability) performed at Invitae indicates that this missense variant is not expected to disrupt POLE protein function. In summary, the available evidence is currently insufficient to determine the role of this variant in disease. Therefore, it has been classified as a Variant of Uncertain Significance. This variant has not been reported in the literature in individuals affected with POLE-related conditions. This variant is not present in population databases (gnomAD no frequency). This sequence change replaces leucine, which is neutral and non-polar, with methionine, which is neutral and non-polar, at codon 1596 of the POLE protein (p.Leu1596Met).

NM_006231.4(POLE):c.4786C>A (p.Leu1596Met)

Gene: POLE (DNA polymerase epsilon, catalytic subunit; minus strand). Cytogenetic location: 12q24.33.
Variant type: single nucleotide variant.
Coding change: c.4786C>A on transcript NM_006231.4 (MANE Select); coding-DNA position 4786, C replaced by A.
Protein change: p.Leu1596Met; replaces leucine 1596 with methionine.
Molecular consequence: missense variant.
Genome position (GRCh38, 1-based): chr12:132,642,672, G>T on the plus strand (C>A on the coding strand, the complement: POLE is on the minus strand). VCF-style: chr12-132642672-G-T. GRCh37 (hg19) VCF-style: chr12-133219258-G-T.
Other names: short protein forms L1596M.
Identifiers: ClinVar variation 2990940 (VCV002990940.3), dbSNP rs2138536210, ClinGen allele CA387378393.